The following is an entry in ClinVar:

ClinVar aggregate classification (germline): Uncertain significance (1 of 4 stars; one submission).

Submission:

Foundation for Research in Genetics and Endocrinology, FRIGE's Institute of Human Genetics
Classification: Uncertain significance. Last evaluated: 2021-04-07. Review status: criteria provided, single submitter. Criteria: ACMG Guidelines, 2015. Collection method: research. Allele origin: paternal. Inheritance: Autosomal dominant inheritance. Affected: yes. Observed: 1 heterozygote.
Comment: A heterozygous missense variation in exon 30 of the TOP2B gene that results in the amino acid substitution of Leucine for Valine at codon 1314 was detected. The observed variant c.3940G>C (p.Val1314Leu) has not been reported in the 1000 genomes and gnomAD databases. The in silico prediction of the variant are damaging by LRT and MutationTaster2. The reference codon is conserved across species. In summary, the variant meets our criteria to be classified as a variant of uncertain significance.

NM_001330700.2(TOP2B):c.3940G>C (p.Val1314Leu)

Gene: TOP2B (DNA topoisomerase II beta; minus strand). Cytogenetic location: 3p24.2.
Variant type: single nucleotide variant.
Coding change: c.3940G>C on transcript NM_001330700.2 (MANE Select); coding-DNA position 3940, G replaced by C.
Protein change: p.Val1314Leu; replaces valine 1314 with leucine.
Molecular consequence: missense variant.
Genome position (GRCh38, 1-based): chr3:25,609,336, C>G on the plus strand (G>C on the coding strand, the complement: TOP2B is on the minus strand). VCF-style: chr3-25609336-C-G. GRCh37 (hg19) VCF-style: chr3-25650827-C-G.
Other names: p.Val1314Leu; c.3925G>C, p.Val1309Leu (NM_001068.3); short protein forms V1309L, V1314L.
Identifiers: ClinVar variation 1300182 (VCV001300182.3), dbSNP rs2125351347, ClinGen allele CA351893962.